The following is an entry in ClinVar:

NM_000536.4(RAG2):c.95G>A (p.Gly32Glu)

Gene: RAG2 (recombination activating 2; minus strand). Cytogenetic location: 11p12.
Variant type: single nucleotide variant.
Coding change: c.95G>A on transcript NM_000536.4 (MANE Select); coding-DNA position 95, G replaced by A.
Protein change: p.Gly32Glu; replaces glycine 32 with glutamic acid.
Molecular consequence: missense variant.
Genome position (GRCh38, 1-based): chr11:36,594,074, C>T on the plus strand (G>A on the coding strand, the complement: RAG2 is on the minus strand). VCF-style: chr11-36594074-C-T. GRCh37 (hg19) VCF-style: chr11-36615624-C-T.
Other names: c.95G>A (NM_000536.3); c.95G>A, p.Gly32Glu (NM_001243785.2, NM_001243786.2); short protein forms G32E.
Identifiers: ClinVar variation 2137057 (VCV002137057.6), dbSNP rs1224542443, ClinGen allele CA380144682.

ClinVar aggregate classification (germline): Pathogenic/Likely pathogenic. Review status: criteria provided, multiple submitters, no conflicts (2 of 4 stars). 2 submissions from 2 submitters: Pathogenic (1); Likely pathogenic (1). Last evaluated 2025-09-18.

Conditions:
Severe combined immunodeficiency, autosomal recessive, T cell-negative, B cell-negative, NK cell-positive. Also called: SCID, T CELL-NEGATIVE, B CELL-NEGATIVE, NK CELL-POSITIVE; SCID, AR, T-cell negative, B-cell negative, NK cell-positive; Severe combined immunodeficiency due to complete RAG1/2 deficiency. Identifiers: Orphanet 331206, MedGen C1832322, MONDO:0011086, OMIM 601457.
Combined immunodeficiency with skin granulomas. Identifiers: Orphanet 157949, MedGen C2673536, MONDO:0009306, OMIM 233650.
Severe combined immunodeficiency disease. Also called: Severe combined immunodeficiency; Severe Combined Immune Deficiency. Identifiers: Orphanet 183660, MedGen C0085110, MeSH D016511, MONDO:0015974, HP:0004430. Inheritance: X-Linked or Autosomal recessive.

Allele frequency attached by ClinVar (database versions not stated): gnomAD exomes 0.00001.
gnomAD v4.1: 4 of 1,613,964 alleles (0.00025%); highest among the groups gnomAD compares: Non-Finnish European, 0.00034%; no homozygotes.

Submissions (2):

Women's Health and Genetics/Laboratory Corporation of America, LabCorp
Classification: Likely pathogenic for Severe combined immunodeficiency disease. Last evaluated: 2025-09-18. Review status: criteria provided, single submitter. Criteria: LabCorp Variant Classification Summary - May 2015. Collection method: clinical testing. Allele origin: germline.
Comment: Variant summary: RAG2 c.95G>A (p.Gly32Glu) results in a non-conservative amino acid change in the encoded protein sequence. Algorithms developed to predict the effect of missense changes on protein structure and function all suggest that this variant is likely to be disruptive. The variant allele was found at a frequency of 8e-06 in 251234 control chromosomes. c.95G>A has been observed in individuals affected with Severe Combined Immunodeficiency (e.g. Walter_2015, Vignesh_2021, Bhattad_2023). These data indicate that the variant is likely associated with disease. To our knowledge, no experimental evidence demonstrating an impact on protein function has been reported. The following publications have been ascertained in the context of this evaluation (PMID: 33628209, 26457731, 37898571). ClinVar contains an entry for this variant (Variation ID: 2137057). Based on the evidence outlined above, the variant was classified as VUS-possibly pathogenic. Based on the evidence outlined above, the variant was classified as likely pathogenic.

Labcorp Genetics (formerly Invitae), Labcorp
Classification: Pathogenic for Combined immunodeficiency with skin granulomas; Severe combined immunodeficiency, autosomal recessive, T cell-negative, B cell-negative, NK cell-positive. Last evaluated: 2022-03-16. Review status: criteria provided, single submitter. Criteria: Invitae Variant Classification Sherloc (09022015). Collection method: clinical testing. Allele origin: germline.
Comment: This sequence change replaces glycine, which is neutral and non-polar, with glutamic acid, which is acidic and polar, at codon 32 of the RAG2 protein (p.Gly32Glu). This variant is present in population databases (no rsID available, gnomAD 0.002%). This missense change has been observed in individual(s) with severe combined immunodeficiency (PMID: 26457731, 33628209). Advanced modeling of protein sequence and biophysical properties (such as structural, functional, and spatial information, amino acid conservation, physicochemical variation, residue mobility, and thermodynamic stability) performed at Invitae indicates that this missense variant is expected to disrupt RAG2 protein function. This variant disrupts the p.Gly32 amino acid residue in RAG2. Other variant(s) that disrupt this residue have been determined to be pathogenic (Invitae). This suggests that this residue is clinically significant, and that variants that disrupt this residue are likely to be disease-causing. For these reasons, this variant has been classified as Pathogenic.

Literature cited by the submitters: PubMed 26457731 (cited by Women's Health and Genetics/Laboratory Corporation of America, LabCorp and Labcorp Genetics (formerly Invitae), Labcorp); PubMed 33628209 (cited by Women's Health and Genetics/Laboratory Corporation of America, LabCorp and Labcorp Genetics (formerly Invitae), Labcorp); PubMed 37898571 (cited by Women's Health and Genetics/Laboratory Corporation of America, LabCorp).